The following is an entry in ClinVar:

NM_005204.4(MAP3K8):c.785T>C (p.Met262Thr)

Gene: MAP3K8 (mitogen-activated protein kinase kinase kinase 8; plus strand). Cytogenetic location: 10p11.23.
Variant type: single nucleotide variant.
Coding change: c.785T>C on transcript NM_005204.4 (MANE Select); coding-DNA position 785, T replaced by C.
Protein change: p.Met262Thr; replaces methionine 262 with threonine.
Molecular consequence: missense variant.
Genome position (GRCh38, 1-based): chr10:30,451,656, T>C. VCF-style: chr10-30451656-T-C. GRCh37 (hg19) VCF-style: chr10-30740585-T-C.
Other names: c.785T>C, p.Met262Thr (NM_001244134.1, NM_001320961.2); short protein forms M262T.
Identifiers: ClinVar variation 4699670 (VCV004699670.1).

ClinVar aggregate classification (germline): Uncertain significance (1 of 4 stars; one submission).

gnomAD v4.1: 1 of 1,592,794 alleles (0.000063%); highest among the groups gnomAD compares: South Asian, 0.0012%; no homozygotes.

Submission:

Labcorp Genetics (formerly Invitae), Labcorp
Classification: Uncertain significance. Last evaluated: 2025-04-17. Review status: criteria provided, single submitter. Criteria: Invitae Variant Classification Sherloc (09022015). Collection method: clinical testing. Allele origin: germline.
Comment: This sequence change replaces methionine, which is neutral and non-polar, with threonine, which is neutral and polar, at codon 262 of the MAP3K8 protein (p.Met262Thr). The frequency data for this variant in the population databases is considered unreliable, as metrics indicate poor data quality at this position in the gnomAD database. This variant has not been reported in the literature in individuals affected with MAP3K8-related conditions. An algorithm developed to predict the effect of missense changes on protein structure and function (PolyPhen-2) suggests that this variant is likely to be disruptive. In summary, the available evidence is currently insufficient to determine the role of this variant in disease. Therefore, it has been classified as a Variant of Uncertain Significance.